The following is an entry in ClinVar:

NM_000179.3(MSH6):c.3927_3957dup (p.Ala1320delinsArgGlySerTyrSerLysGlyThrTer)

Gene: MSH6 (mutS homolog 6; plus strand). Cytogenetic location: 2p16.3.
Variant type: Duplication.
Coding change: c.3927_3957dup on transcript NM_000179.3 (MANE Select); coding-DNA positions 3927 to 3957, 31 bases duplicated.
Protein change: p.Ala1320delinsArgGlySerTyrSerLysGlyThrTer.
Molecular consequence: nonsense.
Genome position (GRCh38, 1-based): chr2:47,806,577-47,806,607, 31 bases duplicated. GRCh37 (hg19): chr2:48,033,716-48,033,746.
Other names: c.3537_3567dup, p.Ala1190delinsArgGlySerTyrSerLysGlyThrTer (NM_001281492.2); c.3021_3051dup, p.Ala1018delinsArgGlySerTyrSerLysGlyThrTer (NM_001281493.2, NM_001281494.2).
Identifiers: ClinVar variation 428298 (VCV000428298.10), dbSNP rs1553333615, ClinGen allele CA645369299.

ClinVar aggregate classification (germline): Pathogenic. Review status: criteria provided, multiple submitters, no conflicts (2 of 4 stars). 3 submissions from 3 submitters: Pathogenic (3). Last evaluated 2023-08-28.

Conditions:
Hereditary cancer-predisposing syndrome. Also called: Hereditary Cancer Syndrome; Neoplastic Syndromes, Hereditary; Hereditary neoplastic syndrome; Tumor predisposition. Identifiers: Orphanet 140162, MedGen C0027672, MeSH D009386, MONDO:0015356.
Lynch syndrome 5 (LYNCH5). Also called: Hereditary non-polyposis colorectal cancer, type 5; Colorectal cancer, hereditary nonpolyposis, type 5. Identifiers: Orphanet 144, MedGen C1833477, MONDO:0013710, OMIM 614350. Disease mechanism: loss of function.
Hereditary nonpolyposis colorectal neoplasms. Identifiers: MedGen C0009405, MeSH D003123.

Submissions (3):

Myriad Genetics, Inc.
Classification: Pathogenic for Lynch syndrome 5. Last evaluated: 2023-08-28. Review status: criteria provided, single submitter. Criteria: Myriad Autosomal Dominant, Autosomal Recessive and X-Linked Classification Criteria (2023). Collection method: clinical testing. Allele origin: unknown.
Comment: This variant is considered pathogenic. This variant creates a frameshift predicted to result in premature protein truncation.

Labcorp Genetics (formerly Invitae), Labcorp
Classification: Pathogenic for Hereditary nonpolyposis colorectal neoplasms. Last evaluated: 2023-07-07. Review status: criteria provided, single submitter. Criteria: Invitae Variant Classification Sherloc (09022015). Collection method: clinical testing. Allele origin: germline.
Comment: This sequence change creates a premature translational stop signal (p.Ala1320Argfs*9) in the MSH6 gene. While this is not anticipated to result in nonsense mediated decay, it is expected to disrupt the last 41 amino acid(s) of the MSH6 protein. For these reasons, this variant has been classified as Pathogenic. This variant disrupts a region of the MSH6 protein in which other variant(s) (p.Leu1330Valfs*12) have been determined to be pathogenic (PMID: 19851887, 24440087; Invitae). This suggests that this is a clinically significant region of the protein, and that variants that disrupt it are likely to be disease-causing. Algorithms developed to predict the effect of sequence changes on RNA splicing suggest that this variant may disrupt the consensus splice site. ClinVar contains an entry for this variant (Variation ID: 428298). This variant has not been reported in the literature in individuals affected with MSH6-related conditions. This variant is not present in population databases (gnomAD no frequency).

Ambry Genetics
Classification: Pathogenic for Hereditary cancer-predisposing syndrome. Last evaluated: 2013-12-20. Review status: criteria provided, single submitter. Criteria: Ambry Autosomal Dominant and X-Linked criteria (10/2015). Collection method: clinical testing. Allele origin: germline. Observed: 1 variant allele.
Comment: The c.3927_3957dup31 pathogenic mutation, located in coding exon 9 of the MSH6 gene, results from a duplication of 31 nucleotides at position 3927, causing a translational frameshift with a predicted alternate stop codon. Since frameshifts are typically deleterious in nature, this alteration is interpreted as a disease-causing mutation (ACMG Recommendations for Standards for Interpretation and Reporting of Sequence Variations. Revision 2007. Genet Med. 2008;10:294).

Literature cited by the submitters: PubMed 19851887 (cited by Labcorp Genetics (formerly Invitae), Labcorp); PubMed 24440087 (cited by Labcorp Genetics (formerly Invitae), Labcorp).